The following is an entry in ClinVar:

ClinVar aggregate classification (germline): Uncertain significance. Review status: criteria provided, multiple submitters, no conflicts (2 of 4 stars). 2 submissions from 2 submitters: Uncertain significance (2). Last evaluated 2025-08-08.

Conditions:
Inborn genetic diseases. Identifiers: MedGen C0950123, MeSH D030342.

Allele frequency attached by ClinVar (database versions not stated): gnomAD exomes 0.00002; gnomAD 0.00003; TOPMed 0.00003; ExAC 0.00004; ESP Exome Variant Server 0.00008.
gnomAD v4.1: 34 of 1,614,088 alleles (0.0021%); highest among the groups gnomAD compares: Non-Finnish European, 0.0028%; no homozygotes.

Submissions (2):

Ambry Genetics
Classification: Uncertain significance for Inborn genetic diseases. Last evaluated: 2025-08-08. Review status: criteria provided, single submitter. Criteria: Ambry Variant Classification Scheme 2023. Collection method: clinical testing. Allele origin: germline.

Labcorp Genetics (formerly Invitae), Labcorp
Classification: Uncertain significance. Last evaluated: 2024-05-15. Review status: criteria provided, single submitter. Criteria: Invitae Variant Classification Sherloc (09022015). Collection method: clinical testing. Allele origin: germline.
Comment: This sequence change replaces threonine, which is neutral and polar, with serine, which is neutral and polar, at codon 468 of the DENND5A protein (p.Thr468Ser). This variant is present in population databases (rs375135196, gnomAD 0.009%). This variant has not been reported in the literature in individuals affected with DENND5A-related conditions. ClinVar contains an entry for this variant (Variation ID: 2166124). Advanced modeling of protein sequence and biophysical properties (such as structural, functional, and spatial information, amino acid conservation, physicochemical variation, residue mobility, and thermodynamic stability) performed at Invitae indicates that this missense variant is not expected to disrupt DENND5A protein function with a negative predictive value of 80%. In summary, the available evidence is currently insufficient to determine the role of this variant in disease. Therefore, it has been classified as a Variant of Uncertain Significance.

NM_015213.4(DENND5A):c.1403C>G (p.Thr468Ser)

Gene: DENND5A (DENN domain containing 5A; minus strand). Cytogenetic location: 11p15.4.
Variant type: single nucleotide variant.
Coding change: c.1403C>G on transcript NM_015213.4 (MANE Select); coding-DNA position 1403, C replaced by G.
Protein change: p.Thr468Ser; replaces threonine 468 with serine.
Molecular consequence: missense variant. On other transcripts: non-coding transcript variant (1).
Genome position (GRCh38, 1-based): chr11:9,180,819, G>C on the plus strand (C>G on the coding strand, the complement: DENND5A is on the minus strand). VCF-style: chr11-9180819-G-C. GRCh37 (hg19) VCF-style: chr11-9202366-G-C.
Other names: c.1403C>G, p.Thr468Ser (NM_001243254.2, NM_001348748.1); c.1331C>G, p.Thr444Ser (NM_001348749.2); c.1115C>G, p.Thr372Ser (NM_001348750.2); c.1403C>G (NM_015213.3); short protein forms T468S, T444S, T372S.
Identifiers: ClinVar variation 2166124 (VCV002166124.4), dbSNP rs375135196, ClinGen allele CA5877614.